The following is an entry in ClinVar:

ClinVar aggregate classification (germline): Uncertain significance (1 of 4 stars; one submission).

Conditions:
Hyperammonemic encephalopathy due to carbonic anhydrase VA deficiency. Also called: Carbonic anhydrase VA deficiency, hyperammonemia due to; Carbonic Anhydrase VA Deficiency. Identifiers: Orphanet 401948, MedGen C4706871, MONDO:0014332, OMIM 615751.

gnomAD v4.1: 10 of 1,568,154 alleles (0.00064%); highest among the groups gnomAD compares: Non-Finnish European, 0.00078%; no homozygotes.

Submission:

Labcorp Genetics (formerly Invitae), Labcorp
Classification: Uncertain significance for Hyperammonemic encephalopathy due to carbonic anhydrase VA deficiency. Last evaluated: 2021-05-21. Review status: criteria provided, single submitter. Criteria: Invitae Variant Classification Sherloc (09022015). Collection method: clinical testing. Allele origin: germline.
Comment: In summary, the available evidence is currently insufficient to determine the role of this variant in disease. Therefore, it has been classified as a Variant of Uncertain Significance. Algorithms developed to predict the effect of missense changes on protein structure and function output the following: SIFT: "Tolerated"; PolyPhen-2: "Benign"; Align-GVGD: "Class C0". The histidine amino acid residue is found in multiple mammalian species, suggesting that this missense change does not adversely affect protein function. These predictions have not been confirmed by published functional studies and their clinical significance is uncertain. This variant has not been reported in the literature in individuals with CA5A-related conditions. This variant is not present in population databases (ExAC no frequency). This sequence change replaces glutamine with histidine at codon 248 of the CA5A protein (p.Gln248His). The glutamine residue is weakly conserved and there is a small physicochemical difference between glutamine and histidine.

NM_001739.2(CA5A):c.744G>T (p.Gln248His)

Gene: CA5A (carbonic anhydrase 5A; minus strand). Cytogenetic location: 16q24.2.
Variant type: single nucleotide variant.
Coding change: c.744G>T on transcript NM_001739.2 (MANE Select); coding-DNA position 744, G replaced by T.
Protein change: p.Gln248His; replaces glutamine 248 with histidine.
Molecular consequence: missense variant. On other transcripts: non-coding transcript variant (2).
Genome position (GRCh38, 1-based): chr16:87,891,829, C>A on the plus strand (G>T on the coding strand, the complement: CA5A is on the minus strand). VCF-style: chr16-87891829-C-A. GRCh37 (hg19) VCF-style: chr16-87925435-C-A.
Other names: c.744G>T, p.Gln248His (NM_001367225.1); short protein forms Q248H.
Identifiers: ClinVar variation 1490519 (VCV001490519.7), dbSNP rs1240080247, ClinGen allele CA397039797.
Genomic context (GRCh38, chr16:87,891,829, plus strand): 5'-GCCATCGTGCCAGTTACGGGCACGGCTCACCTGGCTTGGGGCCACTTCAACGGGCTCCTT[C>A]TGGATGATCCAGGTGACCGACTCGGTCAGCGGCGGGGTGGTGAGCGAGCCCGCGTAGGTC-3'
Protein context (NP_001730.1, residues 238-258): PLTESVTWII[Gln248His]KEPVEVAPSQ